The following is an entry in ClinVar:

NM_001267550.2(TTN):c.68746_68749dup (p.Arg22917delinsAsnTer)

Genes: TTN (titin; minus strand), TTN-AS1 (TTN antisense RNA 1; plus strand). Cytogenetic location: 2q31.2.
Variant type: Duplication.
Coding change: c.68746_68749dup on transcript NM_001267550.2 (MANE Select); coding-DNA positions 68746 to 68749, 4 bases duplicated (ATTA; older notation c.68746_68749dupATTA).
Protein change: p.Arg22917delinsAsnTer.
Molecular consequence: nonsense.
Genome position (GRCh38, 1-based): chr2:178,577,677-178,577,680, TAAT duplicated on the plus strand (ATTA on the coding strand, the reverse complement: TTN is on the minus strand); duplicating any 4 consecutive bases within chr2:178,577,677-178,577,681 gives the same sequence; the c. name uses the placement nearest the transcript's 3' end. VCF-style (leftmost placement, unchanged base first): chr2-178577676-C-CTAAT. GRCh37 (hg19) VCF-style: chr2-179442403-C-CTAAT.
Other names: c.63823_63826dup, p.Arg21276delinsAsnTer (NM_001256850.1); c.41551_41554dup, p.Arg13852delinsAsnTer (NM_003319.4); c.61042_61045dup, p.Arg20349delinsAsnTer (NM_133378.4); c.41926_41929dup, p.Arg13977delinsAsnTer (NM_133432.3); c.42127_42130dup, p.Arg14044delinsAsnTer (NM_133437.4); c.41551_41554dupATTA (NM_003319.4).
Identifiers: ClinVar variation 1738289 (VCV001738289.2), dbSNP rs2468794483, ClinGen allele CA2580064952.

ClinVar aggregate classification (germline): Likely pathogenic (1 of 4 stars; one submission).

Conditions:
Cardiovascular phenotype. Identifiers: MedGen CN230736.

Submission:

Ambry Genetics
Classification: Likely pathogenic for Cardiovascular phenotype. Last evaluated: 2022-06-21. Review status: criteria provided, single submitter. Criteria: Ambry Variant Classification Scheme 2023. Collection method: clinical testing. Allele origin: germline.
Comment: The c.41551_41554dupATTA variant, located in coding exon 150 of the TTN gene, results from a duplication of ATTA at nucleotide position 41551, causing a translational frameshift with a predicted alternate stop codon (p.R13852Nfs*2). This exon is located in the A-band region of the N2-B isoform of the titin protein and is constitutively expressed in TTN transcripts (percent spliced in or PSI 100%). This variant is considered to be rare based on population cohorts in the Genome Aggregation Database (gnomAD). This alteration is expected to result in loss of function by premature protein truncation or nonsense-mediated mRNA decay. While truncating variants in TTN are present in 1-3% of the general population, truncating variants in the A-band are the most common cause of dilated cardiomyopathy (DCM) (Herman DS et al. N. Engl. J. Med., 2012 Feb;366:619-28; Roberts AM et al. Sci Transl Med, 2015 Jan;7:270ra6). TTN truncating variants encoded in constitutive exons (PSI >90%) have been found to be significantly associated with DCM regardless of their position in titin (Schafer S et al. Nat. Genet., 2017 01;49:46-53). As such, this alteration is classified as likely pathogenic.